The following is an entry in ClinVar:

NM_000138.5(FBN1):c.7529A>G (p.Lys2510Arg)

Gene: FBN1 (fibrillin 1; minus strand). Cytogenetic location: 15q21.1.
Variant type: single nucleotide variant.
Coding change: c.7529A>G on transcript NM_000138.5 (MANE Select); coding-DNA position 7529, A replaced by G.
Protein change: p.Lys2510Arg; replaces lysine 2510 with arginine.
Molecular consequence: missense variant.
Genome position (GRCh38, 1-based): chr15:48,421,993, T>C on the plus strand (A>G on the coding strand, the complement: FBN1 is on the minus strand). VCF-style: chr15-48421993-T-C. GRCh37 (hg19) VCF-style: chr15-48714190-T-C.
Other names: p.K2510R:AAA>AGA; short protein forms K2510R.
Identifiers: ClinVar variation 200114 (VCV000200114.15), dbSNP rs767602851, ClinGen allele CA017236.

ClinVar aggregate classification (germline): Conflicting classifications of pathogenicity. Review status: criteria provided, conflicting classifications (1 of 4 stars). 6 submissions from 6 submitters: Uncertain significance (2); Likely benign (4). Last evaluated 2025-12-06.

Conditions:
Marfan syndrome (MFS). Also called: MARFAN SYNDROME, TYPE I; FBN1-Related Marfan Syndrome; Marfan syndrome, classic; Marfan syndrome type 1; Marfan's syndrome. Identifiers: Orphanet 284963, Orphanet 558, MedGen C0024796, MONDO:0007947, OMIM 154700.
Familial thoracic aortic aneurysm and aortic dissection (TAAD). Also called: Thoracic aortic aneurysms and dissections. Identifiers: Orphanet 91387, MedGen C4707243, MONDO:0019625.

Allele frequency attached by ClinVar (database versions not stated): gnomAD exomes 0.00003 and 0.00007; ExAC 0.00006; gnomAD 0.00001; TOPMed 0.00003.
gnomAD v4.1: 49 of 1,614,004 alleles (0.003%); highest among the groups gnomAD compares: South Asian, 0.03%; no homozygotes.

Submissions (6):

Labcorp Genetics (formerly Invitae), Labcorp
Classification: Likely benign for Marfan syndrome; Familial thoracic aortic aneurysm and aortic dissection. Last evaluated: 2025-12-06. Review status: criteria provided, single submitter. Criteria: Invitae Variant Classification Sherloc (09022015). Collection method: clinical testing. Allele origin: germline.

Color Diagnostics, LLC DBA Color Health
Classification: Likely benign for Familial thoracic aortic aneurysm and aortic dissection. Last evaluated: 2025-05-26. Review status: criteria provided, single submitter. Criteria: ACMG Guidelines, 2015. Collection method: clinical testing. Allele origin: germline.

Ambry Genetics
Classification: Likely benign for Familial thoracic aortic aneurysm and aortic dissection. Last evaluated: 2025-05-08. Review status: criteria provided, single submitter. Criteria: Ambry Variant Classification Scheme 2023. Collection method: clinical testing. Allele origin: germline.

Molecular Genetics, Royal Melbourne Hospital
Classification: Likely benign for Familial thoracic aortic aneurysm and aortic dissection. Last evaluated: 2024-03-01. Review status: criteria provided, single submitter. Criteria: ACMG Guidelines, 2015. Collection method: clinical testing. Allele origin: germline. Inheritance: Autosomal dominant inheritance. Affected: yes.

All of Us Research Program, National Institutes of Health
Classification: Uncertain significance for Marfan syndrome. Last evaluated: 2023-07-22. Review status: criteria provided, single submitter. Criteria: ACMG Guidelines, 2015. Collection method: clinical testing. Allele origin: germline. Inheritance: Autosomal dominant inheritance. Observed: 2 variant alleles, 2 heterozygotes.
Comment: This missense variant replaces lysine with arginine at codon 2510 of the FBN1 protein. Computational prediction is inconclusive regarding the impact of this variant on protein structure and function (internally defined REVEL score threshold 0.5 < inconclusive < 0.7, PMID: 27666373). Splice site prediction tools suggest that this variant may impact RNA splicing. To our knowledge, functional studies have not been reported for this variant. This variant has been reported in an individual affected with thoracic aortic aneurysms, who also also carried a pathogenic truncation variant in the LOX geen that could explain the observed phentoype (PMID: 35830949). This variant has been identified in 17/251296 chromosomes in the general population by the Genome Aggregation Database (gnomAD). The available evidence is insufficient to determine the role of this variant in disease conclusively. Therefore, this variant is classified as a Variant of Uncertain Significance.

This study involves interpretation of variants in research participants for the purpose of population health screening. Participant phenotype was not available at the time of variant classification. Additional details can be found in publication PMID: 35346344, PMCID: PMC8962531

GeneDx
Classification: Uncertain significance. Last evaluated: 2018-04-21. Review status: criteria provided, single submitter. Criteria: GeneDx Variant Classification (06012015). Collection method: clinical testing. Allele origin: germline. Affected: yes.
Comment: p.Lys2510Arg (AAA>AGA): c.7529 A>G in exon 61 of the FBN1 gene (NM_000138.4)The Lys2510Arg variant in the FBN1 gene has not been reported as a disease-causing mutation or as a benign polymorphism to our knowledge. Lys2510Arg results in a conservative amino acid substitution of one positively charged amino acid with another, which occurs at a position that is conserved across species. In silico analysis predicts Lys2510Arg is probably damaging to the protein structure/function. Mutations in nearby codons which alter Cysteine residues (Cys2509Tyr, Cys2511Arg, Cys2511Tyr) have been reported in association with Marfan syndrome, supporting the functional importance of this region of the protein. The Lys2510Arg variant was not observed in approximately 6,500 individuals of European and African American ancestry in the NHLBI Exome Sequencing Project, indicating it is not a common benign variant in these populations.With the clinical and molecular information available at this time, we cannot definitively determine if Lys2510Arg is a disease-causing mutation or a rare benign variant. The variant is found in TAAD panel(s).

Literature cited by the submitters: PubMed 35830949 (cited by All of Us Research Program, National Institutes of Health).